The following is an entry in ClinVar:

ClinVar aggregate classification (germline): Uncertain significance (1 of 4 stars; one submission).

gnomAD v4.1: 1 of 1,614,022 alleles (0.000062%); no homozygotes.

Submission:

Labcorp Genetics (formerly Invitae), Labcorp
Classification: Uncertain significance. Last evaluated: 2025-07-16. Review status: criteria provided, single submitter. Criteria: Invitae Variant Classification Sherloc (09022015). Collection method: clinical testing. Allele origin: germline.
Comment: This sequence change replaces glutamine, which is neutral and polar, with glutamic acid, which is acidic and polar, at codon 1467 of the COL7A1 protein (p.Gln1467Glu). This variant is present in population databases (no rsID available, gnomAD 0.0009%). This variant has not been reported in the literature in individuals affected with COL7A1-related conditions. Experimental studies and prediction algorithms are not available or were not evaluated, and the functional significance of this variant is currently unknown. In summary, the available evidence is currently insufficient to determine the role of this variant in disease. Therefore, it has been classified as a Variant of Uncertain Significance.

NM_000094.4(COL7A1):c.4399C>G (p.Gln1467Glu)

Gene: COL7A1 (collagen type VII alpha 1 chain; minus strand). Cytogenetic location: 3p21.31.
Variant type: single nucleotide variant.
Coding change: c.4399C>G on transcript NM_000094.4 (MANE Select); coding-DNA position 4399, C replaced by G.
Protein change: p.Gln1467Glu; replaces glutamine 1467 with glutamic acid.
Molecular consequence: missense variant.
Genome position (GRCh38, 1-based): chr3:48,583,558, G>C on the plus strand (C>G on the coding strand, the complement: COL7A1 is on the minus strand). VCF-style: chr3-48583558-G-C. GRCh37 (hg19) VCF-style: chr3-48620991-G-C.
Other names: short protein forms Q1467E.
Identifiers: ClinVar variation 4711710 (VCV004711710.1).